The following is an entry in ClinVar:

NM_032447.5(FBN3):c.3767A>G (p.Asn1256Ser)

Gene: FBN3 (fibrillin 3; minus strand). Cytogenetic location: 19p13.2.
Variant type: single nucleotide variant.
Coding change: c.3767A>G on transcript NM_032447.5 (MANE Select); coding-DNA position 3767, A replaced by G.
Protein change: p.Asn1256Ser; replaces asparagine 1256 with serine.
Molecular consequence: missense variant.
Genome position (GRCh38, 1-based): chr19:8,115,586, T>C on the plus strand (A>G on the coding strand, the complement: FBN3 is on the minus strand). VCF-style: chr19-8115586-T-C. GRCh37 (hg19) VCF-style: chr19-8180470-T-C.
Other names: c.3767A>G, p.Asn1256Ser (NM_001321431.2); short protein forms N1256S.
Identifiers: ClinVar variation 3665751 (VCV003665751.2).

ClinVar aggregate classification (germline): Uncertain significance (1 of 4 stars; one submission).

gnomAD v4.1: 1 of 1,614,004 alleles (0.000062%); highest among the groups gnomAD compares: Non-Finnish European, 0.000085%; no homozygotes.

Submission:

Labcorp Genetics (formerly Invitae), Labcorp
Classification: Uncertain significance. Last evaluated: 2024-10-16. Review status: criteria provided, single submitter. Criteria: Invitae Variant Classification Sherloc (09022015). Collection method: clinical testing. Allele origin: germline.
Comment: This sequence change replaces asparagine, which is neutral and polar, with serine, which is neutral and polar, at codon 1256 of the FBN3 protein (p.Asn1256Ser). This variant is not present in population databases (gnomAD no frequency). This variant has not been reported in the literature in individuals affected with FBN3-related conditions. Invitae Evidence Modeling of protein sequence and biophysical properties (such as structural, functional, and spatial information, amino acid conservation, physicochemical variation, residue mobility, and thermodynamic stability) indicates that this missense variant is expected to disrupt FBN3 protein function with a positive predictive value of 80%. In summary, the available evidence is currently insufficient to determine the role of this variant in disease. Therefore, it has been classified as a Variant of Uncertain Significance.